The following is an entry in ClinVar:

ClinVar aggregate classification (germline): Likely pathogenic (1 of 4 stars; one submission).

Conditions:
Nephronophthisis. Also called: Juvenile Nephronophthisis. Identifiers: Orphanet 655, MedGen C0687120, MONDO:0019005, HP:0000090.

Allele frequency attached by ClinVar (database versions not stated): TOPMed 0.00001; ESP Exome Variant Server 0.00008.
gnomAD v4.1: 11 of 1,605,822 alleles (0.00069%); highest among the groups gnomAD compares: Non-Finnish European, 0.000085%; no homozygotes.

Submission:

Labcorp Genetics (formerly Invitae), Labcorp
Classification: Likely pathogenic for Nephronophthisis. Last evaluated: 2024-11-18. Review status: criteria provided, single submitter. Criteria: Invitae Variant Classification Sherloc (09022015). Collection method: clinical testing. Allele origin: germline.
Comment: This sequence change affects a donor splice site in intron 10 of the INVS gene. It is expected to disrupt RNA splicing. Variants that disrupt the donor or acceptor splice site typically lead to a loss of protein function (PMID: 16199547), and loss-of-function variants in INVS are known to be pathogenic (PMID: 12872123). This variant is present in population databases (rs375753623, gnomAD 0.06%). Disruption of this splice site has been observed in individual(s) with nephronophthisis (PMID: 31706999). ClinVar contains an entry for this variant (Variation ID: 632530). Algorithms developed to predict the effect of sequence changes on RNA splicing suggest that this variant may disrupt the consensus splice site. In summary, the currently available evidence indicates that the variant is pathogenic, but additional data are needed to prove that conclusively. Therefore, this variant has been classified as Likely Pathogenic.

Literature cited by the submitters: PubMed 16199547; PubMed 12872123; PubMed 31706999.

NM_014425.5(INVS):c.1464+1G>A

Gene: INVS (inversin; plus strand). Cytogenetic location: 9q31.1.
Variant type: single nucleotide variant.
Coding change: c.1464+1G>A on transcript NM_014425.5 (MANE Select); the canonical splice donor site of the intron after coding-DNA position 1464, G replaced by A.
Molecular consequence: splice donor variant.
Genome position (GRCh38, 1-based): chr9:100,253,137, G>A. VCF-style: chr9-100253137-G-A. GRCh37 (hg19) VCF-style: chr9-103015419-G-A.
Other names: c.1176+1G>A (NM_001318381.2); c.486+1G>A (NM_001318382.2).
Identifiers: ClinVar variation 632530 (VCV000632530.7), dbSNP rs375753623, ClinGen allele CA5158390.